The following is an entry in ClinVar:

ClinVar aggregate classification (germline): Likely benign. Review status: criteria provided, single submitter (1 of 4 stars). 2 submissions from 2 submitters: Likely benign (1). 1 of the submissions does not count toward it. Last evaluated 2025-03-17.

Conditions:
Zellweger spectrum disorders (ZS). Also called: Zellweger Spectrum Disorder; Zellweger Spectrum; Zellweger Spectrum Disorder (ZSD); Zellweger syndrome. Identifiers: Orphanet 912, MedGen C0043459, MONDO:0019609.
PEX1-related disorder. Also called: PEX1-related condition.

gnomAD v4.1: 3 of 1,581,756 alleles (0.00019%); no homozygotes.

Submissions (2):

Labcorp Genetics (formerly Invitae), Labcorp
Classification: Likely benign for Zellweger spectrum disorders. Last evaluated: 2025-03-17. Review status: criteria provided, single submitter. Criteria: Invitae Variant Classification Sherloc (09022015). Collection method: clinical testing. Allele origin: germline.

PreventionGenetics, part of Exact Sciences
Classification: Likely benign for PEX1-related condition. Last evaluated: 2024-06-06. Review status: no assertion criteria provided. Collection method: clinical testing. Allele origin: germline. Not counted in ClinVar's aggregate classification.
Comment: This variant is classified as likely benign based on ACMG/AMP sequence variant interpretation guidelines (Richards et al. 2015 PMID: 25741868, with internal and published modifications).

NM_000466.3(PEX1):c.2719-6C>T

Gene: PEX1 (peroxisomal biogenesis factor 1; minus strand). Cytogenetic location: 7q21.2.
Variant type: single nucleotide variant.
Coding change: c.2719-6C>T on transcript NM_000466.3 (MANE Select); 6 bases into the intron before coding-DNA position 2719, C replaced by T.
Molecular consequence: intron variant.
Genome position (GRCh38, 1-based): chr7:92,496,783, G>A on the plus strand (C>T on the coding strand, the complement: PEX1 is on the minus strand). VCF-style: chr7-92496783-G-A. GRCh37 (hg19) VCF-style: chr7-92126097-G-A.
Other names: c.2548-6C>T (NM_001282677.2); c.2095-6C>T (NM_001282678.2); c.2719-6C>T (NM_000466.2).
Identifiers: ClinVar variation 1573172 (VCV001573172.9), dbSNP rs2116111275, ClinGen allele CA2566487806.